The following is an entry in ClinVar:

NM_004656.4(BAP1):c.335T>C (p.Leu112Pro)

Gene: BAP1 (BRCA1 associated deubiquitinase 1; minus strand). Cytogenetic location: 3p21.1.
Variant type: single nucleotide variant.
Coding change: c.335T>C on transcript NM_004656.4 (MANE Select); coding-DNA position 335, T replaced by C.
Protein change: p.Leu112Pro; replaces leucine 112 with proline.
Molecular consequence: missense variant.
Genome position (GRCh38, 1-based): chr3:52,407,998, A>G on the plus strand (T>C on the coding strand, the complement: BAP1 is on the minus strand). VCF-style: chr3-52407998-A-G. GRCh37 (hg19) VCF-style: chr3-52442014-A-G.
Other names: c.335T>C, p.Leu112Pro (NM_001410772.1); short protein forms L112P.
Identifiers: ClinVar variation 3638929 (VCV003638929.2).

ClinVar aggregate classification (germline): Uncertain significance (1 of 4 stars; one submission).

Conditions:
BAP1-related tumor predisposition syndrome (TPDS1). Also called: BAP1 tumor predisposition syndrome; Tumor susceptibility linked to germline BAP1 mutations; COMMON Syndrome; TUMOR PREDISPOSITION SYNDROME 1. Identifiers: Orphanet 289539, MedGen C3280492, MONDO:0013692, OMIM 614327.

Submission:

Labcorp Genetics (formerly Invitae), Labcorp
Classification: Uncertain significance for BAP1-related tumor predisposition syndrome. Last evaluated: 2024-02-05. Review status: criteria provided, single submitter. Criteria: Invitae Variant Classification Sherloc (09022015). Collection method: clinical testing. Allele origin: germline.
Comment: This sequence change replaces leucine, which is neutral and non-polar, with proline, which is neutral and non-polar, at codon 112 of the BAP1 protein (p.Leu112Pro). This variant is not present in population databases (gnomAD no frequency). This variant has not been reported in the literature in individuals affected with BAP1-related conditions. Advanced modeling of protein sequence and biophysical properties (such as structural, functional, and spatial information, amino acid conservation, physicochemical variation, residue mobility, and thermodynamic stability) performed at Invitae indicates that this missense variant is expected to disrupt BAP1 protein function with a positive predictive value of 80%. In summary, the available evidence is currently insufficient to determine the role of this variant in disease. Therefore, it has been classified as a Variant of Uncertain Significance.